The following is an entry in ClinVar:

ClinVar aggregate classification (germline): Uncertain significance (1 of 4 stars; one submission).

Conditions:
Acute myeloid leukemia (AML). Also called: Leukemia, acute myeloid, somatic; Leukemia, acute myelogenous, somatic; Acute myeloid leukemia, adult; AML adult; Acute non-lymphocytic leukemia; Acute granulocytic leukemia. Identifiers: Orphanet 519, MedGen C0023467, MeSH D015470, MONDO:0018874, OMIM 601626, HP:0004808. Disease mechanism: Constitutively activated FLT3.

Submission:

St. Jude Molecular Pathology, St. Jude Children's Research Hospital
Classification: Uncertain significance for Acute myeloid leukemia. Last evaluated: 2022-09-28. Review status: criteria provided, single submitter. Criteria: St. Jude Assertion Criteria 2020. Collection method: clinical testing. Allele origin: germline.
Comment: The CEPBA c.1046_1048del (p.Ser349del) change deletes three nucleotides at position 1046-1048 resulting in an in-frame deletion of one amino acid at codon 349. This variant is absent in gnomAD v2.1.1. To our knowledge, this variant has not been reported in individuals with acute myeloid leukemia. In summary, the evidence currently available is insufficient to determine the clinical significance of this variant. It has therefore been classified as of uncertain significance.

NM_004364.5(CEBPA):c.1046_1048del (p.Ser349del)

Gene: CEBPA (CCAAT enhancer binding protein alpha; minus strand). Cytogenetic location: 19q13.11.
Variant type: Deletion.
Coding change: c.1046_1048del on transcript NM_004364.5 (MANE Select); coding-DNA positions 1046 to 1048, 3 bases deleted (CCT; older notation c.1046_1048delCCT).
Protein change: p.Ser349del; deletes serine 349.
Molecular consequence: inframe deletion.
Genome position (GRCh38, 1-based): chr19:33,301,367-33,301,369, AGG deleted on the plus strand (CCT on the coding strand, the reverse complement: CEBPA is on the minus strand); deleting any 3 consecutive bases within chr19:33,301,367-33,301,371 gives the same sequence; the c. name uses the placement nearest the transcript's 3' end. VCF-style (leftmost placement, unchanged base first): chr19-33301366-AAGG-A. GRCh37 (hg19) VCF-style: chr19-33792272-AAGG-A.
Other names: c.689_691del, p.Ser230del (NM_001285829.2); c.1151_1153del, p.Ser384del (NM_001287424.2); c.1004_1006del, p.Ser335del (NM_001287435.2); short protein forms S230del, S335del, S349del, S384del.
Identifiers: ClinVar variation 1710952 (VCV001710952.1), dbSNP rs2513327703, ClinGen allele CA2580096788.